The following is an entry in ClinVar:

NM_004329.3(BMPR1A):c.869-2A>G

Gene: BMPR1A (bone morphogenetic protein receptor type 1A; plus strand). Cytogenetic location: 10q23.2.
Variant type: single nucleotide variant.
Coding change: c.869-2A>G on transcript NM_004329.3 (MANE Select); the canonical splice acceptor site of the intron before coding-DNA position 869, A replaced by G.
Molecular consequence: splice acceptor variant.
Genome position (GRCh38, 1-based): chr10:86,919,170, A>G. VCF-style: chr10-86919170-A-G. GRCh37 (hg19) VCF-style: chr10-88678927-A-G.
Other names: c.869-2A>G (NM_001406562.1, NM_001406568.1, NM_001406567.1 and 19 more transcripts); c.785-2A>G (NM_001406584.1, NM_001406588.1, NM_001406587.1 and 2 more transcripts); c.917-2A>G (NM_001406560.1); c.944-2A>G (NM_001406559.1); c.863-2A>G (NM_001406583.1); c.527-2A>G (NM_001406589.1).
Identifiers: ClinVar variation 3481237 (VCV003481237.1).
Genomic context (GRCh38, chr10:86,919,170, plus strand): 5'-CATTACTTCTCCCTAGCCTATCTCTGATGATAACTAACCTTTTAAACTCATCAACTGGAC[A>G]GGTTTCATAGCGGCAGACATTAAAGGTACAGGTTCCTGGACTCAGCTCTATTTGATTACT-3'

ClinVar aggregate classification (germline): Uncertain significance (1 of 4 stars; one submission).

Conditions:
Hereditary cancer-predisposing syndrome. Also called: Tumor predisposition; Neoplastic Syndromes, Hereditary; Hereditary Cancer Syndrome; Hereditary neoplastic syndrome. Identifiers: Orphanet 140162, MedGen C0027672, MeSH D009386, MONDO:0015356.

Submission:

Ambry Genetics
Classification: Uncertain significance for Hereditary cancer-predisposing syndrome. Last evaluated: 2024-11-11. Review status: criteria provided, single submitter. Criteria: Ambry Variant Classification Scheme 2023. Collection method: clinical testing. Allele origin: germline.
Comment: The c.869-2A>G intronic variant results from an A to G substitution two nucleotides upstream from coding exon 8 in the BMPR1A gene. This nucleotide position is highly conserved in available vertebrate species. In silico splice site analysis predicts that this alteration will weaken the native splice acceptor site and may result in the creation or strengthening of a novel splice acceptor site. Based on the available evidence, the clinical significance of this variant remains unclear.